The following is an entry in ClinVar:

NM_000094.4(COL7A1):c.6751-3C>T

Gene: COL7A1 (collagen type VII alpha 1 chain; minus strand). Cytogenetic location: 3p21.31.
Variant type: single nucleotide variant.
Coding change: c.6751-3C>T on transcript NM_000094.4 (MANE Select); 3 bases into the intron before coding-DNA position 6751, C replaced by T.
Molecular consequence: intron variant.
Genome position (GRCh38, 1-based): chr3:48,572,945, G>A on the plus strand (C>T on the coding strand, the complement: COL7A1 is on the minus strand). VCF-style: chr3-48572945-G-A. GRCh37 (hg19) VCF-style: chr3-48610378-G-A.
Identifiers: ClinVar variation 2959536 (VCV002959536.3), dbSNP rs764237628, ClinGen allele CA2378844.

ClinVar aggregate classification (germline): Uncertain significance (1 of 4 stars; one submission).

Allele frequency attached by ClinVar (database versions not stated): ExAC 0.00001; gnomAD 0.00001; TOPMed 0.00001.
gnomAD v4.1: 3 of 1,613,854 alleles (0.00019%); highest among the groups gnomAD compares: South Asian, 0.0022%; no homozygotes.

Submission:

Labcorp Genetics (formerly Invitae), Labcorp
Classification: Uncertain significance. Last evaluated: 2022-10-27. Review status: criteria provided, single submitter. Criteria: Invitae Variant Classification Sherloc (09022015). Collection method: clinical testing. Allele origin: germline.
Comment: In summary, the available evidence is currently insufficient to determine the role of this variant in disease. Therefore, it has been classified as a Variant of Uncertain Significance. Variants that disrupt the consensus splice site are a relatively common cause of aberrant splicing (PMID: 17576681, 9536098). Algorithms developed to predict the effect of sequence changes on RNA splicing suggest that this variant is not likely to affect RNA splicing. This variant has not been reported in the literature in individuals affected with COL7A1-related conditions. This variant is present in population databases (rs764237628, gnomAD 0.003%). This sequence change falls in intron 85 of the COL7A1 gene. It does not directly change the encoded amino acid sequence of the COL7A1 protein. It affects a nucleotide within the consensus splice site.

Literature cited by the submitters: PubMed 17576681; PubMed 9536098.